The following is an entry in ClinVar:

ClinVar aggregate classification (germline): Pathogenic/Likely pathogenic. Review status: criteria provided, multiple submitters, no conflicts (2 of 4 stars). 10 submissions from 9 submitters: Pathogenic (1); Likely pathogenic (6). 3 of the submissions do not count toward it. Last evaluated 2026-01-26.

Conditions:
Hereditary cancer-predisposing syndrome. Also called: Neoplastic Syndromes, Hereditary; Hereditary neoplastic syndrome; Tumor predisposition; Hereditary Cancer Syndrome. Identifiers: Orphanet 140162, MedGen C0027672, MeSH D009386, MONDO:0015356.
Breast and/or ovarian cancer. Identifiers: MedGen CN221562.
Carcinoma of pancreas. Also called: Exocrine pancreatic carcinoma; Pancreatic cancer, somatic; Pancreatic carcinoma, somatic; PANCREATIC ACINAR CARCINOMA; PANCREATIC CARCINOMA. Identifiers: Orphanet 1333, Orphanet 217074, MedGen C0235974, MONDO:0005192. Disease mechanism: loss of function.
Ataxia-telangiectasia syndrome (AT). Also called: Ataxia telangiectasia (A-T); Cerebello-oculocutaneous telangiectasia; Immunodeficiency with ataxia telangiectasia; LOUIS-BAR SYNDROME; AT, COMPLEMENTATION GROUP C; ATAXIA-TELANGIECTASIA, FRESNO VARIANT. Identifiers: Orphanet 100, MedGen C0004135, MONDO:0008840, OMIM 208900.
Familial cancer of breast. Also called: hereditary breast carcinoma; Hereditary breast cancer; BREAST CANCER, FAMILIAL. Identifiers: Orphanet 227535, MedGen C0346153, MONDO:0016419, OMIM 114480. Disease mechanism: loss of function.

Submissions (10):

Labcorp Genetics (formerly Invitae), Labcorp
Classification: Pathogenic for Ataxia-telangiectasia syndrome. Last evaluated: 2026-01-26. Review status: criteria provided, single submitter. Criteria: Invitae Variant Classification Sherloc (09022015). Collection method: clinical testing. Allele origin: germline.
Comment: This sequence change falls in intron 41 of the ATM gene. It does not directly change the encoded amino acid sequence of the ATM protein. RNA analysis indicates that this variant induces altered splicing and may result in an absent or altered protein product. This variant is present in population databases (no rsID available, gnomAD 0.0009%). This variant has been observed in individual(s) with ataxia-telangiectasia and/or breast cancer (PMID: 9887333, 18497957). This variant is also known as c.6096-9delTTCTT. ClinVar contains an entry for this variant (Variation ID: 246092). Studies have shown that this variant results in skipping of exon 42 (also known as exon 44), and produces a non-functional protein and/or introduces a premature termination codon (PMID: 988733, 18497957; internal data). For these reasons, this variant has been classified as Pathogenic.

CeGaT Center for Human Genetics Tuebingen
Classification: Likely pathogenic. Last evaluated: 2025-11-01. Review status: criteria provided, single submitter. Criteria: CeGaT Center For Human Genetics Tuebingen Variant Classification Criteria Version 2. Collection method: clinical testing. Allele origin: germline. Affected: yes. Observed: 2 variant alleles.
Comment: ATM: PVS1:Strong, PM2, PS4:Supporting

Color Diagnostics, LLC DBA Color Health
Classification: Likely pathogenic for Hereditary cancer-predisposing syndrome. Last evaluated: 2025-08-22. Review status: criteria provided, single submitter. Criteria: ACMG Guidelines, 2015. Collection method: clinical testing. Allele origin: germline.
Comment: This variant deletes 5 nucleotides at the -9 to -5 position of intron 41 of the ATM gene. Splice site prediction tools predict that this variant may have a significant impact on RNA splicing. Splicing studies using carrier-derived RNA have shown that the variant leads to the skipping of exon 42 (also known as exon 44 in the literature) (PMID: 9887333, 18497957), which is expected to introduce a premature translation stop signal and result in an absent or non-functional protein product. This variant has been reported in an individual affected with ataxia telangiectasia (PMID: 9887333). This variant has also been reported in at least one individual affected with breast cancer (PMID: 18497957). This variant has been identified in 1/251274 chromosomes in the general population by the Genome Aggregation Database (gnomAD). Loss of ATM function is a known mechanism of disease. Based on the available evidence, this variant is classified as Likely Pathogenic.

Ambry Genetics
Classification: Likely pathogenic for Hereditary cancer-predisposing syndrome. Last evaluated: 2025-04-25. Review status: criteria provided, single submitter. Criteria: Ambry Variant Classification Scheme 2023. Collection method: clinical testing. Allele origin: germline.
Comment: The c.6096-9_6096-5delTTCTT intronic variant is located 5 nucleotides upstream from coding exon 41 in the ATM gene. This variant results from a deletion of 5 nucleotides at positions c.6096-9 to c.6096-5. This alteration has been reported in a heterozygous state in an individual with ataxia telangiectasia (Sandoval N et al. Hum. Mol. Genet.1999 Jan;8(1):69-79). This nucleotide region is not well conserved in available vertebrate species. In silico splice site analysis predicts that this alteration will weaken the native splice acceptor site. Multiple RNA studies have shown that this alteration causes skipping of coding exon 41 (also designated as exon 44) (Sandoval N et al. Hum. Mol. Genet.1999 Jan;8(1):69-79; Soukupova J et al. Oncol. Rep., 2008 Jun;19:1505-10; Ambry internal data). This variant is considered to be rare based on population cohorts in the Genome Aggregation Database (gnomAD). Based on the majority of available evidence to date, this variant is likely to be pathogenic.

Baylor Genetics
Classification: Likely pathogenic for Familial cancer of breast. Last evaluated: 2024-02-28. Review status: criteria provided, single submitter. Criteria: ACMG Guidelines, 2015. Collection method: clinical testing. Allele origin: unknown.

GeneDx
Classification: Likely pathogenic. Last evaluated: 2023-08-01. Review status: criteria provided, single submitter. Criteria: GeneDx Variant Classification Process June 2021. Collection method: clinical testing. Allele origin: germline. Affected: yes.
Comment: Non-canonical splice site variant demonstrated to cause aberrant splicing, resulting in out-of-frame exon skipping (Sandoval et al., 1999; Soukupova et al., 2008); Not observed at significant frequency in large population cohorts (gnomAD); Identified in a patient with ataxia telangiectasia (Sandoval et al., 1999); Observed in a patient with breast cancer (Soukupova et al., 2008); This variant is associated with the following publications: (PMID: 32295079, 9887333, 1849795, 18497957)

Sema4
Classification: Likely pathogenic for Hereditary cancer-predisposing syndrome. Last evaluated: 2022-02-12. Review status: criteria provided, single submitter. Criteria: Sema4 Curation Guidelines. Collection method: curation. Allele origin: germline.
Comment: The ATM c.6096-9_6096-5delTTCTT variant has been reported in at least one individual with breast cancer and in one individual with ataxia telangiectasia (PMID: 9887333, 18497957). In silico predictions suggest the variant might weaken or destroy the nearby native acceptor site. Functional studies have shown that this variant leads to possible skipping of exon 42 in the RNA transcript which may result in an absent or non-functional protein product (PMID: 9887333, 18497957). Exon 42 is also known as exon 44 in the literature (PubMed 1849795). It was observed in 1/113662 chromosomes in the Non-Finnish European subpopulation in the Genome Aggregation Database (PMID: 32461654). This variant has been reported in ClinVar (Variation ID: 246092). Based on the current evidence available, this variant is interpreted as likely pathogenic.

CZECANCA consortium
Classification: Pathogenic for Carcinoma of pancreas. Last evaluated: 2021-03-04. Review status: no assertion criteria provided. Collection method: case-control. Allele origin: germline. Affected: yes. Observed: 1 variant allele. Not counted in ClinVar's aggregate classification.

Natera, Inc.
Classification: Uncertain significance for Ataxia-telangiectasia. Last evaluated: 2020-07-13. Review status: no assertion criteria provided. Collection method: clinical testing. Allele origin: germline. Not counted in ClinVar's aggregate classification.

CZECANCA consortium
Classification: Pathogenic for Breast and/or ovarian cancer. Last evaluated: 2019-06-11. Review status: no assertion criteria provided. Collection method: clinical testing. Allele origin: germline. Affected: yes. Observed: 1 variant allele. Not counted in ClinVar's aggregate classification.

Literature cited by the submitters: PubMed 9887333 (cited by 3 submitters); PubMed 18497957 (cited by 4 submitters); PubMed 988733 (cited by Labcorp Genetics (formerly Invitae), Labcorp); PubMed 1849795 (cited by Sema4); PubMed 32295079 (cited by CZECANCA consortium).

NM_000051.4(ATM):c.6096-9_6096-5del

Genes: C11orf65 (chromosome 11 open reading frame 65; minus strand), ATM (ATM serine/threonine kinase; plus strand). Cytogenetic location: 11q22.3.
Variant type: Deletion.
Coding change: c.6096-9_6096-5del on transcript NM_000051.4 (MANE Select); 9 bases into the intron before coding-DNA position 6096 through 5 bases into the intron before coding-DNA position 6096, 5 bases deleted (TTCTT; older notation c.6096-9_6096-5delTTCTT).
Molecular consequence: intron variant.
Genome position (GRCh38, 1-based): chr11:108,316,002-108,316,006, TTCTT deleted; deleting any 5 consecutive bases within chr11:108,315,998-108,316,006 gives the same sequence; the c. name uses the placement nearest the transcript's 3' end. VCF-style (leftmost placement, unchanged base first): chr11-108315997-ATCTTT-A. GRCh37 (hg19) VCF-style: chr11-108186724-ATCTTT-A.
Other names: c.6096-9_6096-5delTTCTT (NM_000051.3); c.6096-9_6096-5del (NM_001351834.2); c.641-6931_641-6927del (NM_001330368.2); c.*39-6931_*39-6927del (NM_001351110.2); c.6096-9_6096-5del5 (NM_000051.3).
Identifiers: ClinVar variation 246092 (VCV000246092.42), dbSNP rs879254095, ClinGen allele CA10584355.